The following is an entry in ClinVar:

ClinVar aggregate classification (germline): Pathogenic (1 of 4 stars; one submission).

Conditions:
Mucopolysaccharidosis, MPS-II (MPS2). Also called: Hunter Syndrome; IDURONATE 2-SULFATASE DEFICIENCY; Mucopolysaccharidosis Type II; Mucopolysaccharidosis type 2; Attenuated MPS (subtype; formerly known as mild MPS II); Severe MPS II. Identifiers: Orphanet 580, Orphanet 79388, MedGen C0026705, MONDO:0010674, OMIM 309900.

Submission:

Laboratory of Diagnosis and Therapy of Lysosomal Disorders, University of Padova
Classification: Pathogenic for Mucopolysaccharidosis, MPS-II. Last evaluated: 2024-06-07. Review status: criteria provided, single submitter. Criteria: ACMG Guidelines, 2015. Collection method: literature only. Allele origin: germline. Affected: yes. Observed: 1 variant allele.
Comment: Null variant (PVS1_VeryStrong), Absent from controls (or at low frequency) in gnomAD database (PM2_Moderate), Patient’s phenotype or family history highly specific for the disease (PP4_Strong)

Classification method: ACMG Guidelines [PMID:25741868] with modifications

Literature cited by the submitters: PubMed 34813777.

NM_000202.8(IDS):c.418+1G>T

Gene: IDS (iduronate 2-sulfatase; minus strand). Cytogenetic location: Xq28.
Variant type: single nucleotide variant.
Coding change: c.418+1G>T on transcript NM_000202.8 (MANE Select); the canonical splice donor site of the intron after coding-DNA position 418, G replaced by T.
Molecular consequence: splice donor variant.
Genome position (GRCh38, 1-based): chrX:149,503,311, C>A on the plus strand (G>T on the coding strand, the complement: IDS is on the minus strand). VCF-style: chrX-149503311-C-A. GRCh37 (hg19) VCF-style: chrX-148584841-C-A.
Other names: c.148+1G>T (NM_001166550.4); c.418+1G>T (NM_006123.5).
Identifiers: ClinVar variation 3255713 (VCV003255713.2).